The following is an entry in ClinVar:

ClinVar aggregate classification (germline): Uncertain significance (1 of 4 stars; one submission).

Conditions:
Glycogen storage disease XV (GSD15). Also called: GLYCOGENIN DEFICIENCY; GSD XV. Identifiers: Orphanet 263297, MedGen C3150754, MONDO:0013291, OMIM 613507.
Polyglucosan body myopathy type 2. Identifiers: Orphanet 456369, MedGen C4015452, MONDO:0014526, OMIM 616199.

Submission:

Labcorp Genetics (formerly Invitae), Labcorp
Classification: Uncertain significance for Polyglucosan body myopathy type 2; Glycogen storage disease XV. Last evaluated: 2021-12-25. Review status: criteria provided, single submitter. Criteria: Invitae Variant Classification Sherloc (09022015). Collection method: clinical testing. Allele origin: germline.
Comment: This sequence change replaces leucine, which is neutral and non-polar, with phenylalanine, which is neutral and non-polar, at codon 38 of the GYG1 protein (p.Leu38Phe). This variant is not present in population databases (gnomAD no frequency). This variant has not been reported in the literature in individuals affected with GYG1-related conditions. Algorithms developed to predict the effect of missense changes on protein structure and function are either unavailable or do not agree on the potential impact of this missense change (SIFT: "Deleterious"; PolyPhen-2: "Probably Damaging"; Align-GVGD: "Class C0"). In summary, the available evidence is currently insufficient to determine the role of this variant in disease. Therefore, it has been classified as a Variant of Uncertain Significance.

NM_004130.4(GYG1):c.112C>T (p.Leu38Phe)

Gene: GYG1 (glycogenin 1; plus strand). Cytogenetic location: 3q24.
Variant type: single nucleotide variant.
Coding change: c.112C>T on transcript NM_004130.4 (MANE Select); coding-DNA position 112, C replaced by T.
Protein change: p.Leu38Phe; replaces leucine 38 with phenylalanine.
Molecular consequence: missense variant.
Genome position (GRCh38, 1-based): chr3:148,994,246, C>T. VCF-style: chr3-148994246-C-T. GRCh37 (hg19) VCF-style: chr3-148712033-C-T.
Other names: c.112C>T, p.Leu38Phe (NM_001184720.2, NM_001184721.2); short protein forms L38F.
Identifiers: ClinVar variation 1953054 (VCV001953054.2), dbSNP rs2472705940, ClinGen allele CA354910200.
Genomic context (GRCh38, chr3:148,994,246, plus strand): 5'-GGTGCCCTGGTCCTGGGATCATCTCTGAAACAGCACAGGACCACCAGGAGGCTGGTCGTG[C>T]TCGCCACCCCTCAGGTCTCAGACTCCATGAGGTGAGGACCTCGCTGCCACCCCAGCATCC-3'
Protein context (NP_004121.2, residues 28-48): QHRTTRRLVV[Leu38Phe]ATPQVSDSMR